The following is an entry in ClinVar:

ClinVar aggregate classification (germline): Benign (1 of 4 stars; one submission).

Conditions:
Familial cancer of breast. Also called: hereditary breast carcinoma; BREAST CANCER, FAMILIAL; Hereditary breast cancer. Identifiers: Orphanet 227535, MedGen C0346153, MONDO:0016419, OMIM 114480. Disease mechanism: loss of function.

Submission:

Myriad Genetics, Inc.
Classification: Benign for Familial cancer of breast. Last evaluated: 2024-06-12. Review status: criteria provided, single submitter. Criteria: Myriad Autosomal Dominant, Autosomal Recessive and X-Linked Classification Criteria (2023). Collection method: clinical testing. Allele origin: unknown.
Comment: This variant is considered benign. This variant is a silent/synonymous amino acid change and it is not expected to impact splicing.

NM_000051.4(ATM):c.7020T>G (p.Val2340=)

Genes: ATM (ATM serine/threonine kinase; plus strand), C11orf65 (chromosome 11 open reading frame 65; minus strand). Cytogenetic location: 11q22.3.
Variant type: single nucleotide variant.
Coding change: c.7020T>G on transcript NM_000051.4 (MANE Select); coding-DNA position 7020, T replaced by G.
Protein change: p.Val2340=; no amino-acid change (valine 2340 retained).
Molecular consequence: synonymous variant. On other transcripts: intron variant (2).
Genome position (GRCh38, 1-based): chr11:108,327,689, T>G. VCF-style: chr11-108327689-T-G. GRCh37 (hg19) VCF-style: chr11-108198416-T-G.
Other names: c.7020T>G, p.Val2340= (NM_001351834.2); c.641-18618A>C (NM_001330368.2); c.*38+7531A>C (NM_001351110.2).
Identifiers: ClinVar variation 3253915 (VCV003253915.1), dbSNP rs2547232533.